The following is an entry in ClinVar:

NM_017654.4(SAMD9):c.503A>T (p.Glu168Val)

Gene: SAMD9 (sterile alpha motif domain containing 9; minus strand). Cytogenetic location: 7q21.2.
Variant type: single nucleotide variant.
Coding change: c.503A>T on transcript NM_017654.4 (MANE Select); coding-DNA position 503, A replaced by T.
Protein change: p.Glu168Val; replaces glutamic acid 168 with valine.
Molecular consequence: missense variant.
Genome position (GRCh38, 1-based): chr7:93,105,595, T>A on the plus strand (A>T on the coding strand, the complement: SAMD9 is on the minus strand). VCF-style: chr7-93105595-T-A. GRCh37 (hg19) VCF-style: chr7-92734908-T-A.
Other names: c.503A>T, p.Glu168Val (NM_001193307.2); short protein forms E168V.
Identifiers: ClinVar variation 3949645 (VCV003949645.1).
Genomic context (GRCh38, chr7:93,105,595, plus strand): 5'-CCTGGTCCTGTTTCAGGCTGTAGACTAAAATCCAACTTGTAACGATATGGATTACTGAAT[T>A]CATCAAATGGATATGATACACATGTCAGGTCTATGGATGGTTGCCTTTCCTTTGTATAAT-3'
Protein context (NP_060124.2, residues 158-178): DLTCVSYPFD[Glu168Val]FSNPYRYKLD

ClinVar aggregate classification (germline): Uncertain significance (1 of 4 stars; one submission).

Conditions:
Inborn genetic diseases. Identifiers: MedGen C0950123, MeSH D030342.

gnomAD v4.1: 1 of 1,614,134 alleles (0.000062%); highest among the groups gnomAD compares: African/African-American, 0.0013%; no homozygotes.

Submission:

Ambry Genetics
Classification: Uncertain significance for Inborn genetic diseases. Last evaluated: 2025-05-18. Review status: criteria provided, single submitter. Criteria: Ambry Variant Classification Scheme 2023. Collection method: clinical testing. Allele origin: germline.
Comment: The p.E168V variant (also known as c.503A>T), located in coding exon 1 of the SAMD9 gene, results from an A to T substitution at nucleotide position 503. The glutamic acid at codon 168 is replaced by valine, an amino acid with dissimilar properties. This amino acid position is conserved. In addition, this alteration is predicted to be tolerated by in silico analysis. Based on the available evidence, the clinical significance of this variant remains unclear.